The following is an entry in ClinVar:

ClinVar aggregate classification (germline): Uncertain significance. Review status: criteria provided, multiple submitters, no conflicts (2 of 4 stars). 2 submissions from 2 submitters: Uncertain significance (2). Last evaluated 2024-12-03.

Conditions:
Hereditary cancer-predisposing syndrome. Also called: Tumor predisposition; Hereditary neoplastic syndrome; Neoplastic Syndromes, Hereditary; Hereditary Cancer Syndrome. Identifiers: Orphanet 140162, MedGen C0027672, MeSH D009386, MONDO:0015356.
BAP1-related tumor predisposition syndrome (TPDS1). Also called: BAP1 tumor predisposition syndrome; Tumor susceptibility linked to germline BAP1 mutations; COMMON Syndrome; TUMOR PREDISPOSITION SYNDROME 1. Identifiers: Orphanet 289539, MedGen C3280492, MONDO:0013692, OMIM 614327.

Submissions (2):

Labcorp Genetics (formerly Invitae), Labcorp
Classification: Uncertain significance for BAP1-related tumor predisposition syndrome. Last evaluated: 2024-12-03. Review status: criteria provided, single submitter. Criteria: Invitae Variant Classification Sherloc (09022015). Collection method: clinical testing. Allele origin: germline.
Comment: This sequence change replaces serine, which is neutral and polar, with asparagine, which is neutral and polar, at codon 341 of the BAP1 protein (p.Ser341Asn). This variant is not present in population databases (gnomAD no frequency). This variant has not been reported in the literature in individuals affected with BAP1-related conditions. ClinVar contains an entry for this variant (Variation ID: 1500920). Invitae Evidence Modeling of protein sequence and biophysical properties (such as structural, functional, and spatial information, amino acid conservation, physicochemical variation, residue mobility, and thermodynamic stability) indicates that this missense variant is not expected to disrupt BAP1 protein function with a negative predictive value of 80%. In summary, the available evidence is currently insufficient to determine the role of this variant in disease. Therefore, it has been classified as a Variant of Uncertain Significance.

Ambry Genetics
Classification: Uncertain significance for Hereditary cancer-predisposing syndrome. Last evaluated: 2021-07-19. Review status: criteria provided, single submitter. Criteria: Ambry Variant Classification Scheme 2023. Collection method: clinical testing. Allele origin: germline.
Comment: The p.S341N variant (also known as c.1022G>A), located in coding exon 11 of the BAP1 gene, results from a G to A substitution at nucleotide position 1022. The serine at codon 341 is replaced by asparagine, an amino acid with highly similar properties. This amino acid position is highly conserved in available vertebrate species. In addition, this alteration is predicted to be tolerated by in silico analysis. Since supporting evidence is limited at this time, the clinical significance of this alteration remains unclear.

NM_004656.4(BAP1):c.1022G>A (p.Ser341Asn)

Gene: BAP1 (BRCA1 associated deubiquitinase 1; minus strand). Cytogenetic location: 3p21.1.
Variant type: single nucleotide variant.
Coding change: c.1022G>A on transcript NM_004656.4 (MANE Select); coding-DNA position 1022, G replaced by A.
Protein change: p.Ser341Asn; replaces serine 341 with asparagine.
Molecular consequence: missense variant.
Genome position (GRCh38, 1-based): chr3:52,405,204, C>T on the plus strand (G>A on the coding strand, the complement: BAP1 is on the minus strand). VCF-style: chr3-52405204-C-T. GRCh37 (hg19) VCF-style: chr3-52439220-C-T.
Other names: short protein forms S341N.
Identifiers: ClinVar variation 1500920 (VCV001500920.8), dbSNP rs2153227038, ClinGen allele CA353105901.